The following is an entry in ClinVar:

NM_001127464.1:c.7186C>G

Gene: ZNF469 (zinc finger protein 469; plus strand).
Variant type: single nucleotide variant.
Identifiers: ClinVar variation 4826328 (VCV004826328.1).

ClinVar aggregate classification (germline): Uncertain significance (1 of 4 stars; one submission).

Conditions:
Cardiovascular phenotype. Identifiers: MedGen CN230736.

Submission:

Ambry Genetics
Classification: Uncertain significance for Cardiovascular phenotype. Last evaluated: 2026-03-11. Review status: criteria provided, single submitter. Criteria: Ambry Variant Classification Scheme 2023. Collection method: clinical testing. Allele origin: germline.
Comment: The p.Q2396E variant (also known as c.7186C>G), located in coding exon 2 of the ZNF469 gene, results from a C to G substitution at nucleotide position 7186. The glutamine at codon 2396 is replaced by glutamic acid, an amino acid with highly similar properties. This amino acid position is conserved. In addition, this alteration is predicted to be tolerated by in silico analysis. Based on the available evidence, the clinical significance of this variant remains unclear.